The following is an entry in ClinVar:

NM_002633.3(PGM1):c.395A>G (p.Asn132Ser)

Gene: PGM1 (phosphoglucomutase 1; plus strand). Cytogenetic location: 1p31.3.
Variant type: single nucleotide variant.
Coding change: c.395A>G on transcript NM_002633.3 (MANE Select); coding-DNA position 395, A replaced by G.
Protein change: p.Asn132Ser; replaces asparagine 132 with serine.
Molecular consequence: missense variant. On other transcripts: 5 prime UTR variant (1).
Genome position (GRCh38, 1-based): chr1:63,629,573, A>G. VCF-style: chr1-63629573-A-G. GRCh37 (hg19) VCF-style: chr1-64095244-A-G.
Other names: c.449A>G, p.Asn150Ser (NM_001172818.1); c.-197A>G (NM_001172819.2); short protein forms N150S, N132S.
Identifiers: ClinVar variation 2405750 (VCV002405750.4), dbSNP rs139535773, ClinGen allele CA889519.

ClinVar aggregate classification (germline): Uncertain significance. Review status: criteria provided, multiple submitters, no conflicts (2 of 4 stars). 2 submissions from 2 submitters: Uncertain significance (2). Last evaluated 2024-10-24.

Conditions:
Inborn genetic diseases. Identifiers: MedGen C0950123, MeSH D030342.
PGM1-congenital disorder of glycosylation. Also called: PHOSPHOGLUCOMUTASE 1 DEFICIENCY; PGM1 DEFICIENCY; GLYCOGEN STORAGE DISEASE XIV; GSD XIV; Congenital disorder of glycosylation type 1t; CDG It. Identifiers: Orphanet 319646, MedGen C2752015, MONDO:0013968, OMIM 614921.

Allele frequency attached by ClinVar (database versions not stated): ExAC 0.00001; gnomAD 0.00003; TOPMed 0.00003; ESP Exome Variant Server 0.00008.
gnomAD v4.1: 16 of 1,613,836 alleles (0.00099%); highest among the groups gnomAD compares: Middle Eastern, 0.017%; no homozygotes.

Submissions (2):

Labcorp Genetics (formerly Invitae), Labcorp
Classification: Uncertain significance for PGM1-congenital disorder of glycosylation. Last evaluated: 2024-10-24. Review status: criteria provided, single submitter. Criteria: Invitae Variant Classification Sherloc (09022015). Collection method: clinical testing. Allele origin: germline.
Comment: This sequence change replaces asparagine, which is neutral and polar, with serine, which is neutral and polar, at codon 132 of the PGM1 protein (p.Asn132Ser). This variant is present in population databases (rs139535773, gnomAD 0.007%). This variant has not been reported in the literature in individuals affected with PGM1-related conditions. ClinVar contains an entry for this variant (Variation ID: 2405750). Invitae Evidence Modeling of protein sequence and biophysical properties (such as structural, functional, and spatial information, amino acid conservation, physicochemical variation, residue mobility, and thermodynamic stability) indicates that this missense variant is expected to disrupt PGM1 protein function with a positive predictive value of 80%. In summary, the available evidence is currently insufficient to determine the role of this variant in disease. Therefore, it has been classified as a Variant of Uncertain Significance.

Ambry Genetics
Classification: Uncertain significance for Inborn genetic diseases. Last evaluated: 2022-12-19. Review status: criteria provided, single submitter. Criteria: Ambry Variant Classification Scheme 2023. Collection method: clinical testing. Allele origin: germline.